The following is an entry in ClinVar:

NM_058216.3(RAD51C):c.965+867A>G

Gene: RAD51C (RAD51 paralog C; plus strand). Cytogenetic location: 17q22.
Variant type: single nucleotide variant.
Coding change: c.965+867A>G on transcript NM_058216.3 (MANE Select); 867 bases into the intron after coding-DNA position 965, A replaced by G.
Molecular consequence: intron variant.
Genome position (GRCh38, 1-based): chr17:58,724,967, A>G. VCF-style: chr17-58724967-A-G. GRCh37 (hg19) VCF-style: chr17-56802328-A-G.
Identifiers: ClinVar variation 2824567 (VCV002824567.3), dbSNP rs2509347077, ClinGen allele CA2739268290.

ClinVar aggregate classification (germline): Uncertain significance (1 of 4 stars; one submission).

Conditions:
Fanconi anemia complementation group O. Also called: RAD51C-Related Fanconi Anemia. Identifiers: Orphanet 84, MedGen C3150653, MONDO:0013248, OMIM 613390.

Submission:

Labcorp Genetics (formerly Invitae), Labcorp
Classification: Uncertain significance for Fanconi anemia complementation group O. Last evaluated: 2024-08-01. Review status: criteria provided, single submitter. Criteria: Invitae Variant Classification Sherloc (09022015). Collection method: clinical testing. Allele origin: germline.
Comment: This sequence change falls in intron 7 of the RAD51C gene. It does not directly change the encoded amino acid sequence of the RAD51C protein. This variant is not present in population databases (gnomAD no frequency). This variant has not been reported in the literature in individuals affected with RAD51C-related conditions. Studies have shown that this variant is associated with altered splicing resulting in multiple RNA products (Invitae). In summary, the available evidence is currently insufficient to determine the role of this variant in disease. Therefore, it has been classified as a Variant of Uncertain Significance.